The following is an entry in ClinVar:

NC_000010.10:g.(?_118318646)_(118318815_?)del

Gene: PNLIP (pancreatic lipase; plus strand). Cytogenetic location: 10q25.3.
Variant type: Deletion.
Identifiers: ClinVar variation 2423441 (VCV002423441.4).

ClinVar aggregate classification (germline): Uncertain significance (1 of 4 stars; one submission).

Submission:

Labcorp Genetics (formerly Invitae), Labcorp
Classification: Uncertain significance. Last evaluated: 2022-07-22. Review status: criteria provided, single submitter. Criteria: Invitae Variant Classification Sherloc (09022015). Collection method: clinical testing. Allele origin: germline.
Comment: This variant is a gross deletion of the genomic region encompassing exon(s) 10 of the PNLIP gene. This deletion is out-of-frame, and is expected to create a premature translational stop signal and result in an absent or disrupted protein product. However, the current clinical and genetic evidence is not sufficient to establish whether loss-of-function variants in PNLIP cause disease. This variant has not been reported in the literature in individuals affected with PNLIP-related conditions. Experimental studies and prediction algorithms are not available or were not evaluated, and the functional significance of this variant is currently unknown. In summary, the available evidence is currently insufficient to determine the role of this variant in disease. Therefore, it has been classified as a Variant of Uncertain Significance.